The following is an entry in ClinVar:

NM_033380.3(COL4A5):c.107C>A (p.Ser36Ter)

Gene: COL4A5 (collagen type IV alpha 5 chain; plus strand). Cytogenetic location: Xq22.3.
Variant type: single nucleotide variant.
Coding change: c.107C>A on transcript NM_033380.3 (MANE Select); coding-DNA position 107, C replaced by A.
Protein change: p.Ser36Ter; replaces serine 36 with a stop codon.
Molecular consequence: nonsense.
Genome position (GRCh38, 1-based): chrX:108,539,771, C>A. VCF-style: chrX-108539771-C-A. GRCh37 (hg19) VCF-style: chrX-107783001-C-A.
Other names: c.107C>A, p.Ser36Ter (NM_000495.5); short protein forms S36*.
Identifiers: ClinVar variation 2585333 (VCV002585333.1), dbSNP rs759512115, ClinGen allele CA413908691.
Genomic context (GRCh38, chrX:108,539,771, plus strand): 5'-TTTAATGATTTTTTCCCTCTTTCTCTTCCTTATAGGCTTGCTATGGGTGTTCTCCAGGAT[C>A]AAAGTGTGACTGCAGTGGCATAAAAGGGGAAAAGGTGAGGTCTTAGATTGGCATTTGAAA-3'

ClinVar aggregate classification (germline): Pathogenic (1 of 4 stars; one submission).

Conditions:
X-linked Alport syndrome (ATS1). Also called: COL4A5-Related Nephropathy; NEPHROPATHY AND DEAFNESS, X-LINKED. Identifiers: Orphanet 63, Orphanet 88917, MedGen C4746986, MONDO:0010520, OMIM 301050.

Submission:

Neuberg Centre For Genomic Medicine, NCGM
Classification: Pathogenic for X-linked Alport syndrome. Review status: criteria provided, single submitter. Criteria: ACMG Guidelines, 2015. Collection method: clinical testing. Allele origin: germline. Inheritance: X-linked inheritance. Affected: yes.
Comment: The stop gained variant has been reported previously in hemizygous state in patients affected with Alport syndrome (Zhang X. et al., 2018). This variant is novel (not in any individuals) in gnomAD Exomes and 1000 Genomes. This variant is predicted to cause loss of normal protein function through protein truncation. Loss of function variants have been previously reported to be disease causing. For these reasons, this variant has been classified as Pathogenic.